The following is an entry in ClinVar:

ClinVar aggregate classification (germline): Likely benign (1 of 4 stars; one submission).

Conditions:
White sponge nevus 1. Also called: LEUKOKERATOSIS, HEREDITARY MUCOSAL. Identifiers: MedGen C4011926, MONDO:0008676, OMIM 193900.

Allele frequency attached by ClinVar (database versions not stated): ExAC 0.00002; gnomAD 0.00002; gnomAD exomes 0.00003; TOPMed 0.00003.
gnomAD v4.1: 50 of 1,613,850 alleles (0.0031%); highest among the groups gnomAD compares: Middle Eastern, 0.05%; no homozygotes.

Submission:

Illumina Laboratory Services, Illumina
Classification: Likely benign for White sponge nevus 1. Last evaluated: 2018-01-12. Review status: criteria provided, single submitter. Criteria: ICSL Variant Classification Criteria 13 December 2019. Collection method: clinical testing. Allele origin: germline.
Comment: This variant was observed in the ICSL laboratory as part of a predisposition screen in an ostensibly healthy population. It had not been previously curated by ICSL or reported in the Human Gene Mutation Database (HGMD: prior to June 1st, 2018), and was therefore a candidate for classification through an automated scoring system. Utilizing variant allele frequency, disease prevalence and penetrance estimates, and inheritance mode, an automated score was calculated to assess if this variant is too frequent to cause the disease. Based on the score and internal cut-off values, a variant classified as likely benign is not then subjected to further curation. The score for this variant resulted in a classification of likely benign for this disease.

NM_002272.4(KRT4):c.513G>A (p.Leu171=)

Gene: KRT4 (keratin 4; minus strand). Cytogenetic location: 12q13.13.
Variant type: single nucleotide variant.
Coding change: c.513G>A on transcript NM_002272.4 (MANE Select); coding-DNA position 513, G replaced by A.
Protein change: p.Leu171=; no amino-acid change (leucine 171 retained).
Molecular consequence: synonymous variant.
Genome position (GRCh38, 1-based): chr12:52,811,927, C>T on the plus strand (G>A on the coding strand, the complement: KRT4 is on the minus strand). VCF-style: chr12-52811927-C-T. GRCh37 (hg19) VCF-style: chr12-53205711-C-T.
Identifiers: ClinVar variation 309693 (VCV000309693.5), dbSNP rs774677002, ClinGen allele CA6588702.
Genomic context (GRCh38, chr12:52,811,927, plus strand): 5'-GTAGGTCTCAAAGAGGGGCTCAAGGTTTTTGCTGGAGGTGGTGGTCGTCTGCTGCTGGAG[C>T]AGGTTCCATTTGGTCTCCAGGACCTTATTCTGTTGCTCTAAGAACTGCACCTGTGTTGAT-3'
Protein context (NP_002263.3, residues 161-181): QNKVLETKWN[Leu171=]LQQQTTTTSS